The following is an entry in ClinVar:

NM_018389.5(SLC35C1):c.73G>A (p.Glu25Lys)

Gene: SLC35C1 (solute carrier family 35 member C1; plus strand). Cytogenetic location: 11p11.2.
Variant type: single nucleotide variant.
Coding change: c.73G>A on transcript NM_018389.5 (MANE Select); coding-DNA position 73, G replaced by A.
Protein change: p.Glu25Lys; replaces glutamic acid 25 with lysine.
Molecular consequence: missense variant.
Genome position (GRCh38, 1-based): chr11:45,805,874, G>A. VCF-style: chr11-45805874-G-A. GRCh37 (hg19) VCF-style: chr11-45827425-G-A.
Other names: c.34G>A, p.Glu12Lys (NM_001145265.2, NM_001145266.2, NM_001425156.1); c.73G>A, p.Glu25Lys (NM_001425155.1); short protein forms E12K, E25K.
Identifiers: ClinVar variation 2880938 (VCV002880938.3), dbSNP rs2494691665, ClinGen allele CA380202127.

ClinVar aggregate classification (germline): Uncertain significance (1 of 4 stars; one submission).

Conditions:
Leukocyte adhesion deficiency type II. Also called: CDG IIc; CONGENITAL DISORDER OF GLYCOSYLATION, TYPE IIc; Congenital disorder of glycosylation type 2C; CDG 2C; Leukocyte adhesion deficiency type 2; Rambam Hasharon syndrome. Identifiers: Orphanet 2968, Orphanet 99843, MedGen C0398739, MONDO:0009953, OMIM 266265.

Allele frequency attached by ClinVar (database versions not stated): gnomAD exomes below 0.00001.
gnomAD v4.1: 1 of 1,614,174 alleles (0.000062%); highest among the groups gnomAD compares: Non-Finnish European, 0.000085%; no homozygotes.

Submission:

Labcorp Genetics (formerly Invitae), Labcorp
Classification: Uncertain significance for Leukocyte adhesion deficiency type II. Last evaluated: 2024-02-19. Review status: criteria provided, single submitter. Criteria: Invitae Variant Classification Sherloc (09022015). Collection method: clinical testing. Allele origin: germline.
Comment: This sequence change replaces glutamic acid, which is acidic and polar, with lysine, which is basic and polar, at codon 25 of the SLC35C1 protein (p.Glu25Lys). This variant is not present in population databases (gnomAD no frequency). This variant has not been reported in the literature in individuals affected with SLC35C1-related conditions. An algorithm developed to predict the effect of missense changes on protein structure and function (PolyPhen-2) suggests that this variant is likely to be tolerated. In summary, the available evidence is currently insufficient to determine the role of this variant in disease. Therefore, it has been classified as a Variant of Uncertain Significance.